The following is an entry in ClinVar:

ClinVar aggregate classification (germline): Uncertain significance. Review status: criteria provided, multiple submitters, no conflicts (2 of 4 stars). 2 submissions from 2 submitters: Uncertain significance (2). Last evaluated 2024-05-13.

Submissions (2):

GeneDx
Classification: Uncertain significance. Last evaluated: 2024-05-13. Review status: criteria provided, single submitter. Criteria: GeneDx Variant Classification Process June 2021. Collection method: clinical testing. Allele origin: germline. Affected: yes.
Comment: Not observed at significant frequency in large population cohorts (gnomAD); In silico analysis indicates that this missense variant does not alter protein structure/function; Has not been previously published as pathogenic or benign to our knowledge

Labcorp Genetics (formerly Invitae), Labcorp
Classification: Uncertain significance. Last evaluated: 2024-01-17. Review status: criteria provided, single submitter. Criteria: Invitae Variant Classification Sherloc (09022015). Collection method: clinical testing. Allele origin: germline.
Comment: This sequence change replaces serine, which is neutral and polar, with glycine, which is neutral and non-polar, at codon 1785 of the MTOR protein (p.Ser1785Gly). This variant is not present in population databases (gnomAD no frequency). This variant has not been reported in the literature in individuals affected with MTOR-related conditions. ClinVar contains an entry for this variant (Variation ID: 2010077). Advanced modeling of protein sequence and biophysical properties (such as structural, functional, and spatial information, amino acid conservation, physicochemical variation, residue mobility, and thermodynamic stability) performed at Invitae indicates that this missense variant is not expected to disrupt MTOR protein function with a negative predictive value of 95%. In summary, the available evidence is currently insufficient to determine the role of this variant in disease. Therefore, it has been classified as a Variant of Uncertain Significance.

NM_004958.4(MTOR):c.5353A>G (p.Ser1785Gly)

Gene: MTOR (mechanistic target of rapamycin kinase; minus strand). Cytogenetic location: 1p36.22.
Variant type: single nucleotide variant.
Coding change: c.5353A>G on transcript NM_004958.4 (MANE Select); coding-DNA position 5353, A replaced by G.
Protein change: p.Ser1785Gly; replaces serine 1785 with glycine.
Molecular consequence: missense variant.
Genome position (GRCh38, 1-based): chr1:11,133,091, T>C on the plus strand (A>G on the coding strand, the complement: MTOR is on the minus strand). VCF-style: chr1-11133091-T-C. GRCh37 (hg19) VCF-style: chr1-11193148-T-C.
Other names: c.5353A>G, p.Ser1785Gly (NM_001386500.1); c.4105A>G, p.Ser1369Gly (NM_001386501.1); short protein forms S1369G, S1785G.
Identifiers: ClinVar variation 2010077 (VCV002010077.5), dbSNP rs2522367259, ClinGen allele CA338399646.
Genomic context (GRCh38, chr1:11,133,091, plus strand): 5'-ACGAGCCAGCCAGGGTGCTGGGTCTCACAGGTGGCCTGCTTCTGATCACCTTGTACCAGC[T>C]GCGGTCGTGCTCTGTGGCGGCGCTGTAGTACTGCAGCACTTTGGGGATTGTGCTCTCATT-3'
Protein context (NP_004949.1, residues 1775-1795): YYSAATEHDR[Ser1785Gly]WYKAWHAWAV